The following is an entry in ClinVar:

ClinVar aggregate classification (germline): other (0 of 4 stars; one submission).

Conditions:
Familial colorectal cancer. Identifiers: MedGen CN280943, MONDO:0023113. Disease mechanism: loss of function.

Submission:

Systems Biology Platform Zhejiang California International NanoSystems Institute
Classification: other for Familial colorectal cancer. Review status: no assertion criteria provided. Collection method: not provided. Allele origin: unknown.
ClinVar note: Converted during submission from cancer to other.

NM_000038.6(APC):c.1743+1898A>T

Gene: APC (APC regulator of WNT signaling pathway; plus strand). Cytogenetic location: 5q22.2.
Variant type: single nucleotide variant.
Coding change: c.1743+1898A>T on transcript NM_000038.6 (MANE Select); 1898 bases into the intron after coding-DNA position 1743, A replaced by T.
Molecular consequence: intron variant.
Genome position (GRCh38, 1-based): chr5:112,830,870, A>T. VCF-style: chr5-112830870-A-T. GRCh37 (hg19) VCF-style: chr5-112166567-A-T.
Other names: c.1743+1898A>T (NM_001354895.2, NM_001127510.3); c.1773+1898A>T (NM_001354897.2); c.1470+1898A>T (NM_001354902.2); c.1689+1898A>T (NM_001127511.3); c.1668+1898A>T (NM_001354898.2); c.1365+1898A>T (NM_001354904.2); c.894+1898A>T (NM_001354906.2); c.1797+1898A>T (NM_001354896.2); and 5 more.
Identifiers: ClinVar variation 82595 (VCV000082595.2), dbSNP rs76293295, ClinGen allele CA005565.
Genomic context (GRCh38, chr5:112,830,870, plus strand): 5'-GGGTAGGAAACTTTTGGGGATGATATAAATGTTTGTTATCTTGATTGGACTGGCAGTTTT[A>T]TGGGTGTATACATGTATGAAAAATTATCAAATTGTAAACTTGAAATGTGTGCAGTTTACT-3'